The following is an entry in ClinVar:

ClinVar aggregate classification (germline): Likely benign (1 of 4 stars; one submission).

Submission:

CeGaT Center for Human Genetics Tuebingen
Classification: Likely benign. Last evaluated: 2022-03-01. Review status: criteria provided, single submitter. Criteria: CeGaT Center For Human Genetics Tuebingen Variant Classification Criteria Version 2. Collection method: clinical testing. Allele origin: germline. Affected: yes. Observed: 1 variant allele.
Comment: KIF11: PM2:Supporting, BP4, BP7

NM_004523.4(KIF11):c.2364A>G (p.Gln788=)

Gene: KIF11 (kinesin family member 11; plus strand). Cytogenetic location: 10q23.33.
Variant type: single nucleotide variant.
Coding change: c.2364A>G on transcript NM_004523.4 (MANE Select); coding-DNA position 2364, A replaced by G.
Protein change: p.Gln788=; no amino-acid change (glutamine 788 retained).
Molecular consequence: synonymous variant.
Genome position (GRCh38, 1-based): chr10:92,645,459, A>G. VCF-style: chr10-92645459-A-G. GRCh37 (hg19) VCF-style: chr10-94405216-A-G.
Identifiers: ClinVar variation 2640678 (VCV002640678.24), dbSNP rs2492536616, ClinGen allele CA470982738.